The following is an entry in ClinVar:

NM_002860.4(ALDH18A1):c.2114A>G (p.Asn705Ser)

Gene: ALDH18A1 (aldehyde dehydrogenase 18 family member A1; minus strand). Cytogenetic location: 10q24.1.
Variant type: single nucleotide variant.
Coding change: c.2114A>G on transcript NM_002860.4 (MANE Select); coding-DNA position 2114, A replaced by G.
Protein change: p.Asn705Ser; replaces asparagine 705 with serine.
Molecular consequence: missense variant.
Genome position (GRCh38, 1-based): chr10:95,610,289, T>C on the plus strand (A>G on the coding strand, the complement: ALDH18A1 is on the minus strand). VCF-style: chr10-95610289-T-C. GRCh37 (hg19) VCF-style: chr10-97370046-T-C.
Other names: c.1478A>G, p.Asn493Ser (NM_001323419.2); c.2108A>G, p.Asn703Ser (NM_001017423.2, NM_001323415.2); c.1781A>G, p.Asn594Ser (NM_001323412.2, NM_001323416.2); c.2114A>G, p.Asn705Ser (NM_001323413.2, NM_001323414.2); c.2009A>G, p.Asn670Ser (NM_001323417.2); c.1775A>G, p.Asn592Ser (NM_001323418.2); short protein forms N493S, N592S, N594S, N670S, N703S, N705S.
Identifiers: ClinVar variation 1254768 (VCV001254768.8), dbSNP rs1325485951, ClinGen allele CA377699758.

ClinVar aggregate classification (germline): Uncertain significance. Review status: criteria provided, multiple submitters, no conflicts (2 of 4 stars). 3 submissions from 3 submitters: Uncertain significance (3). Last evaluated 2025-10-08.

Conditions:
Cutis laxa, autosomal dominant 3 (ADCL3). Identifiers: Orphanet 90348, MedGen C4225268, MONDO:0014706, OMIM 616603.
Autosomal dominant spastic paraplegia type 9. Identifiers: MedGen C1832669, MONDO:0015091.
de Barsy syndrome. Also called: Cutis laxa-corneal clouding-oligophrenia syndrome. Identifiers: Orphanet 2962, MedGen C0268354, MONDO:0017569.

Allele frequency attached by ClinVar (database versions not stated): gnomAD exomes 0.00001 and below 0.00001; TOPMed 0.00001.

Submissions (3):

Labcorp Genetics (formerly Invitae), Labcorp
Classification: Uncertain significance for Autosomal dominant spastic paraplegia type 9; de Barsy syndrome; Cutis laxa, autosomal dominant 3. Last evaluated: 2025-10-08. Review status: criteria provided, single submitter. Criteria: Invitae Variant Classification Sherloc (09022015). Collection method: clinical testing. Allele origin: germline.
Comment: This sequence change replaces asparagine, which is neutral and polar, with serine, which is neutral and polar, at codon 705 of the ALDH18A1 protein (p.Asn705Ser). This variant is present in population databases (no rsID available, gnomAD 0.0009%). This variant has not been reported in the literature in individuals affected with ALDH18A1-related conditions. ClinVar contains an entry for this variant (Variation ID: 1254768). Invitae Evidence Modeling of protein sequence and biophysical properties (such as structural, functional, and spatial information, amino acid conservation, physicochemical variation, residue mobility, and thermodynamic stability) indicates that this missense variant is not expected to disrupt ALDH18A1 protein function with a negative predictive value of 95%. In summary, the available evidence is currently insufficient to determine the role of this variant in disease. Therefore, it has been classified as a Variant of Uncertain Significance.

GeneDx
Classification: Uncertain significance. Last evaluated: 2021-07-30. Review status: criteria provided, single submitter. Criteria: GeneDx Variant Classification Process June 2021. Collection method: clinical testing. Allele origin: germline. Affected: yes.
Comment: Has not been previously published as pathogenic or benign to our knowledge; Not observed at significant frequency in large population cohorts (Lek et al., 2016); In silico analysis, which includes protein predictors and evolutionary conservation, supports that this variant does not alter protein structure/function

Breakthrough Genomics
Classification: Uncertain significance. Review status: criteria provided, single submitter. Criteria: ACMG Guidelines, 2015. Collection method: not provided. Allele origin: germline. Inheritance: Autosomal recessive inheritance. Affected: yes.